The following is an entry in ClinVar:

NM_006231.4(POLE):c.55G>A (p.Ala19Thr)

Genes: POLE (DNA polymerase epsilon, catalytic subunit; minus strand), LOC130009266 (ATAC-STARR-seq lymphoblastoid silent region 5123; plus strand). Cytogenetic location: 12q24.33.
Variant type: single nucleotide variant.
Coding change: c.55G>A on transcript NM_006231.4 (MANE Select); coding-DNA position 55, G replaced by A.
Protein change: p.Ala19Thr; replaces alanine 19 with threonine.
Molecular consequence: missense variant.
Genome position (GRCh38, 1-based): chr12:132,687,261, C>T on the plus strand (G>A on the coding strand, the complement: POLE is on the minus strand). VCF-style: chr12-132687261-C-T. GRCh37 (hg19) VCF-style: chr12-133263847-C-T.
Other names: short protein forms A19T.
Identifiers: ClinVar variation 1023926 (VCV001023926.11), dbSNP rs1391962080, ClinGen allele CA387373317.

ClinVar aggregate classification (germline): Uncertain significance. Review status: criteria provided, multiple submitters, no conflicts (2 of 4 stars). 2 submissions from 2 submitters: Uncertain significance (2). Last evaluated 2022-09-24.

Conditions:
Hereditary cancer-predisposing syndrome. Also called: Hereditary Cancer Syndrome; Neoplastic Syndromes, Hereditary; Tumor predisposition; Hereditary neoplastic syndrome. Identifiers: Orphanet 140162, MedGen C0027672, MeSH D009386, MONDO:0015356.

Allele frequency attached by ClinVar (database versions not stated): gnomAD exomes below 0.00001 and 0.00001.
gnomAD v4.1: 1 of 1,499,672 alleles (0.000067%); highest among the groups gnomAD compares: South Asian, 0.0012%; no homozygotes.

Submissions (2):

Ambry Genetics
Classification: Uncertain significance for Hereditary cancer-predisposing syndrome. Last evaluated: 2022-09-24. Review status: criteria provided, single submitter. Criteria: Ambry Variant Classification Scheme 2023. Collection method: clinical testing. Allele origin: germline.
Comment: The p.A19T variant (also known as c.55G>A), located in coding exon 1 of the POLE gene, results from a G to A substitution at nucleotide position 55. The alanine at codon 19 is replaced by threonine, an amino acid with similar properties. This amino acid position is conserved. In addition, this alteration is predicted to be tolerated by in silico analysis. Since supporting evidence is limited at this time, the clinical significance of this alteration remains unclear.

Labcorp Genetics (formerly Invitae), Labcorp
Classification: Uncertain significance. Last evaluated: 2020-06-09. Review status: criteria provided, single submitter. Criteria: Invitae Variant Classification Sherloc (09022015). Collection method: clinical testing. Allele origin: germline.
Comment: In summary, the available evidence is currently insufficient to determine the role of this variant in disease. Therefore, it has been classified as a Variant of Uncertain Significance. Algorithms developed to predict the effect of missense changes on protein structure and function output the following: SIFT: "Tolerated"; PolyPhen-2: "Benign"; Align-GVGD: "Class C0". The threonine amino acid residue is found in multiple mammalian species, suggesting that this missense change does not adversely affect protein function. These predictions have not been confirmed by published functional studies and their clinical significance is uncertain. This variant has not been reported in the literature in individuals with POLE-related conditions. The frequency data for this variant in the population databases is considered unreliable, as metrics indicate insufficient coverage at this position in the ExAC database. This sequence change replaces alanine with threonine at codon 19 of the POLE protein (p.Ala19Thr). The alanine residue is weakly conserved and there is a small physicochemical difference between alanine and threonine.